The following is an entry in ClinVar:

NM_001387690.1(KATNAL2):c.1028G>A (p.Arg343His)

Gene: KATNAL2 (katanin catalytic subunit A1 like 2; plus strand). Cytogenetic location: 18q21.1.
Variant type: single nucleotide variant.
Coding change: c.1028G>A on transcript NM_001387690.1 (MANE Select); coding-DNA position 1028, G replaced by A.
Protein change: p.Arg343His; replaces arginine 343 with histidine.
Molecular consequence: missense variant. On other transcripts: non-coding transcript variant (1).
Genome position (GRCh38, 1-based): chr18:47,075,296, G>A. VCF-style: chr18-47075296-G-A. GRCh37 (hg19) VCF-style: chr18-44601667-G-A.
Other names: c.1106G>A, p.Arg369His (NM_001353899.1); c.1103G>A, p.Arg368His (NM_001353900.1); c.1028G>A, p.Arg343His (NM_001353901.1, NM_001367621.1); c.1007G>A, p.Arg336His (NM_001353902.1); c.695G>A, p.Arg232His (NM_001353903.1, NM_001353905.1, NM_001353906.1 and 1 more transcripts); c.596G>A, p.Arg199His (NM_001353904.1, NM_001353908.1, NM_001353909.1); c.812G>A, p.Arg271His (NM_031303.3); short protein forms R199H, R336H, R271H, R343H, R368H, R369H, R232H.
Identifiers: ClinVar variation 1762122 (VCV001762122.4), dbSNP rs144598726, ClinGen allele CA8955184.
Genomic context (GRCh38, chr18:47,075,296, plus strand): 5'-GTCTATAAGCTTGAACACTTGCTTGCTTTTCCCCCACCCAGGTGTTATTTGAGCTTGCCC[G>A]CTACCACGCCCCATCCACGATCTTCCTGGACGAGCTGGAGTCGGTGATGAGTCAGAGAGG-3'
Protein context (NP_001374619.1, residues 333-353): KLVRVLFELA[Arg343His]YHAPSTIFLD

ClinVar aggregate classification (germline): Likely benign. Review status: criteria provided, single submitter (1 of 4 stars). 2 submissions from 2 submitters: Likely benign (1). 1 of the submissions does not count toward it. Last evaluated 2018-08-10.

Conditions:
KATNAL2-related disorder. Also called: KATNAL2-related condition.

Allele frequency attached by ClinVar (database versions not stated): ExAC 0.00032; TOPMed 0.00087; ESP Exome Variant Server 0.00092.
gnomAD v4.1: 251 of 1,555,936 alleles (0.016%); highest among the groups gnomAD compares: African/African-American, 0.27%; no homozygotes.

Submissions (2):

Ambry Genetics
Classification: Likely benign. Last evaluated: 2018-08-10. Review status: criteria provided, single submitter. Criteria: Ambry Variant Classification Scheme 2023. Collection method: clinical testing. Allele origin: germline.

PreventionGenetics, part of Exact Sciences
Classification: Likely benign for KATNAL2-related condition. Last evaluated: 2023-11-10. Review status: no assertion criteria provided. Collection method: clinical testing. Allele origin: germline. Not counted in ClinVar's aggregate classification.
Comment: This variant is classified as likely benign based on ACMG/AMP sequence variant interpretation guidelines (Richards et al. 2015 PMID: 25741868, with internal and published modifications).